The following is an entry in ClinVar:

ClinVar aggregate classification (germline): Conflicting classifications of pathogenicity. Review status: criteria provided, conflicting classifications (1 of 4 stars). 4 submissions from 4 submitters: Pathogenic (1); Likely pathogenic (2); Uncertain significance (1). Last evaluated 2025-10-06.

Conditions:
Cardiovascular phenotype. Identifiers: MedGen CN230736.
Telangiectasia, hereditary hemorrhagic, type 2 (HHT2). Also called: ACVRL1-Related Hereditary Hemorrhagic Telangiectasia; Telangiectasia, hereditary hemorrhagic, type II. Identifiers: Orphanet 774, MedGen C1838163, MONDO:0010880, OMIM 600376. Disease mechanism: loss of function.

Submissions (4):

Ambry Genetics
Classification: Likely pathogenic for Cardiovascular phenotype. Last evaluated: 2025-10-06. Review status: criteria provided, single submitter. Criteria: Ambry Variant Classification Scheme 2023. Collection method: clinical testing. Allele origin: germline.
Comment: The p.W472C variant (also known as c.1416G>C), located in coding exon 9 of the ACVRL1 gene, results from a G to C substitution at nucleotide position 1416. The tryptophan at codon 472 is replaced by cysteine, an amino acid with highly dissimilar properties. This variant was reported in individual(s) with features consistent with hereditary hemorrhagic telangiectasias (HHT) (Ambry internal data). This variant is considered to be rare based on population cohorts in the Genome Aggregation Database (gnomAD). This amino acid position is highly conserved in available vertebrate species. In addition, this alteration is predicted to be deleterious by in silico analysis. Based on the majority of available evidence to date, this variant is likely to be pathogenic.

Mayo Clinic Laboratories, Mayo Clinic
Classification: Likely pathogenic. Last evaluated: 2025-07-22. Review status: criteria provided, single submitter. Criteria: ACMG Guidelines, 2015. Collection method: clinical testing. Allele origin: germline. Observed: 1 variant allele.
Comment: PP3, PM1, PM2_supporting, PS4

Labcorp Genetics (formerly Invitae), Labcorp
Classification: Pathogenic for Telangiectasia, hereditary hemorrhagic, type 2. Last evaluated: 2024-04-08. Review status: criteria provided, single submitter. Criteria: Invitae Variant Classification Sherloc (09022015). Collection method: clinical testing. Allele origin: germline.
Comment: This sequence change replaces tryptophan, which is neutral and slightly polar, with cysteine, which is neutral and slightly polar, at codon 472 of the ACVRL1 protein (p.Trp472Cys). This variant is not present in population databases (gnomAD no frequency). This missense change has been observed in individual(s) with hereditary hemorrhagic telangiectasia (Invitae). ClinVar contains an entry for this variant (Variation ID: 411309). Advanced modeling of protein sequence and biophysical properties (such as structural, functional, and spatial information, amino acid conservation, physicochemical variation, residue mobility, and thermodynamic stability) performed at Invitae indicates that this missense variant is expected to disrupt ACVRL1 protein function with a positive predictive value of 95%. For these reasons, this variant has been classified as Pathogenic.

GeneDx
Classification: Uncertain significance. Last evaluated: 2022-04-04. Review status: criteria provided, single submitter. Criteria: GeneDx Variant Classification Process June 2021. Collection method: clinical testing. Allele origin: germline. Affected: yes.
Comment: Has not been previously published as pathogenic or benign to our knowledge; Not observed in large population cohorts (gnomAD); In silico analysis supports that this missense variant has a deleterious effect on protein structure/function

NM_000020.3(ACVRL1):c.1416G>C (p.Trp472Cys)

Gene: ACVRL1 (activin A receptor like type 1; plus strand). Cytogenetic location: 12q13.13.
Variant type: single nucleotide variant.
Coding change: c.1416G>C on transcript NM_000020.3 (MANE Select); coding-DNA position 1416, G replaced by C.
Protein change: p.Trp472Cys; replaces tryptophan 472 with cysteine.
Molecular consequence: missense variant.
Genome position (GRCh38, 1-based): chr12:51,920,797, G>C. VCF-style: chr12-51920797-G-C. GRCh37 (hg19) VCF-style: chr12-52314581-G-C.
Other names: p.Trp472Cys; c.1416G>C, p.Trp472Cys (NM_001077401.2); short protein forms W472C.
Identifiers: ClinVar variation 411309 (VCV000411309.11), dbSNP rs1060503243, ClinGen allele CA16613828.